The following is an entry in ClinVar:

NM_001378457.1(DMXL2):c.3694C>T (p.Leu1232Phe)

Gene: DMXL2 (Dmx like 2; minus strand). Cytogenetic location: 15q21.2.
Variant type: single nucleotide variant.
Coding change: c.3694C>T on transcript NM_001378457.1 (MANE Select); coding-DNA position 3694, C replaced by T.
Protein change: p.Leu1232Phe; replaces leucine 1232 with phenylalanine.
Molecular consequence: missense variant. On other transcripts: non-coding transcript variant (2), intron variant (2).
Genome position (GRCh38, 1-based): chr15:51,499,530, G>A on the plus strand (C>T on the coding strand, the complement: DMXL2 is on the minus strand). VCF-style: chr15-51499530-G-A. GRCh37 (hg19) VCF-style: chr15-51791727-G-A.
Other names: c.3694C>T, p.Leu1232Phe (NM_001174116.3, NM_001378458.1, NM_001378459.1 and 4 more transcripts); c.3454C>T, p.Leu1152Phe (NM_001378464.1); c.2764+7604C>T (NM_001378460.1); c.2765-4396C>T (NM_001174117.3); short protein forms L1152F, L1232F.
Identifiers: ClinVar variation 1800722 (VCV001800722.1), dbSNP rs2548507896, ClinGen allele CA392434705.

ClinVar aggregate classification (germline): Uncertain significance (1 of 4 stars; one submission).

Submission:

GeneDx
Classification: Uncertain significance. Last evaluated: 2022-05-20. Review status: criteria provided, single submitter. Criteria: GeneDx Variant Classification Process June 2021. Collection method: clinical testing. Allele origin: germline. Affected: yes.
Comment: Not observed at significant frequency in large population cohorts (gnomAD); In silico analysis supports that this missense variant has a deleterious effect on protein structure/function; Has not been previously published as pathogenic or benign to our knowledge